The following is an entry in ClinVar:

ClinVar aggregate classification (germline): Uncertain significance (1 of 4 stars; one submission).

Allele frequency attached by ClinVar (database versions not stated): gnomAD exomes below 0.00001; TOPMed 0.00001.
gnomAD v4.1: 3 of 1,593,766 alleles (0.00019%); highest among the groups gnomAD compares: South Asian, 0.0011%; no homozygotes.

Submission:

Labcorp Genetics (formerly Invitae), Labcorp
Classification: Uncertain significance. Last evaluated: 2021-10-25. Review status: criteria provided, single submitter. Criteria: Invitae Variant Classification Sherloc (09022015). Collection method: clinical testing. Allele origin: germline.
Comment: Algorithms developed to predict the effect of missense changes on protein structure and function are either unavailable or do not agree on the potential impact of this missense change (SIFT: "Deleterious"; PolyPhen-2: "Not Available"; Align-GVGD: "Class C0"). In summary, the available evidence is currently insufficient to determine the role of this variant in disease. Therefore, it has been classified as a Variant of Uncertain Significance. This variant has not been reported in the literature in individuals affected with CDH23-related conditions. This variant is not present in population databases (ExAC no frequency). This sequence change replaces tyrosine with cysteine at codon 2574 of the CDH23 protein (p.Tyr2574Cys). The tyrosine residue is highly conserved and there is a large physicochemical difference between tyrosine and cysteine.

NM_022124.6(CDH23):c.7721A>G (p.Tyr2574Cys)

Gene: CDH23 (cadherin related 23; plus strand). Cytogenetic location: 10q22.1.
Variant type: single nucleotide variant.
Coding change: c.7721A>G on transcript NM_022124.6 (MANE Select); coding-DNA position 7721, A replaced by G.
Protein change: p.Tyr2574Cys; replaces tyrosine 2574 with cysteine.
Molecular consequence: missense variant.
Genome position (GRCh38, 1-based): chr10:71,803,269, A>G. VCF-style: chr10-71803269-A-G. GRCh37 (hg19) VCF-style: chr10-73563026-A-G.
Other names: c.1001A>G, p.Tyr334Cys (NM_001171933.1, NM_001171934.1); short protein forms Y2574C, Y334C.
Identifiers: ClinVar variation 1491866 (VCV001491866.6), dbSNP rs1370820719, ClinGen allele CA377161209.